The following is an entry in ClinVar:

NM_002471.4(MYH6):c.4793C>T (p.Ser1598Leu)

Genes: MYH6 (myosin heavy chain 6; minus strand), LOC126861896 (BRD4-independent group 4 enhancer GRCh37_chr14:23854904-23856103; plus strand). Cytogenetic location: 14q11.2.
Variant type: single nucleotide variant.
Coding change: c.4793C>T on transcript NM_002471.4 (MANE Select); coding-DNA position 4793, C replaced by T.
Protein change: p.Ser1598Leu; replaces serine 1598 with leucine.
Molecular consequence: missense variant.
Genome position (GRCh38, 1-based): chr14:23,386,481, G>A on the plus strand (C>T on the coding strand, the complement: MYH6 is on the minus strand). VCF-style: chr14-23386481-G-A. GRCh37 (hg19) VCF-style: chr14-23855690-G-A.
Other names: c.4793C>T (NM_002471.3); short protein forms S1598L.
Identifiers: ClinVar variation 1393906 (VCV001393906.12), dbSNP rs536807961, ClinGen allele CA7114637.

ClinVar aggregate classification (germline): Uncertain significance. Review status: criteria provided, multiple submitters, no conflicts (2 of 4 stars). 4 submissions from 4 submitters: Uncertain significance (4). Last evaluated 2025-08-06.

Conditions:
Dilated cardiomyopathy 1EE (CMD1EE). Identifiers: Orphanet 154, MedGen C2750466, MONDO:0013198, OMIM 613252.
Hypertrophic cardiomyopathy 14. Identifiers: MedGen C2750467, MONDO:0013197, OMIM 613251.
Atrial septal defect 3 (ASD3). Identifiers: Orphanet 1478, MedGen C3279790, MONDO:0013567, OMIM 614089.
Hypertrophic cardiomyopathy 1 (CMH1). Also called: Familial hypertrophic cardiomyopathy 1; MYH7-Related Familial Hypertrophic Cardiomyopathy. Identifiers: MedGen C3495498, MONDO:0008647, OMIM 192600.
Sick sinus syndrome 3, susceptibility to (SSS3). Identifiers: Orphanet 166282, MedGen C3279791, MONDO:0013568, OMIM 614090.

Allele frequency attached by ClinVar (database versions not stated): gnomAD exomes 0.00001 and 0.00002; ExAC 0.00002; 1000 Genomes Project 30x 0.00016; 1000 Genomes Project 0.00020.
gnomAD v4.1: 25 of 1,614,102 alleles (0.0015%); highest among the groups gnomAD compares: Admixed American, 0.0033%; no homozygotes.

Submissions (4):

Labcorp Genetics (formerly Invitae), Labcorp
Classification: Uncertain significance for Hypertrophic cardiomyopathy 14. Last evaluated: 2025-08-06. Review status: criteria provided, single submitter. Criteria: Invitae Variant Classification Sherloc (09022015). Collection method: clinical testing. Allele origin: germline.
Comment: This sequence change replaces serine, which is neutral and polar, with leucine, which is neutral and non-polar, at codon 1598 of the MYH6 protein (p.Ser1598Leu). This variant is present in population databases (rs536807961, gnomAD 0.003%). This variant has not been reported in the literature in individuals affected with MYH6-related conditions. ClinVar contains an entry for this variant (Variation ID: 1393906). Invitae Evidence Modeling of protein sequence and biophysical properties (such as structural, functional, and spatial information, amino acid conservation, physicochemical variation, residue mobility, and thermodynamic stability) indicates that this missense variant is expected to disrupt MYH6 protein function with a positive predictive value of 80%. In summary, the available evidence is currently insufficient to determine the role of this variant in disease. Therefore, it has been classified as a Variant of Uncertain Significance.

GeneDx
Classification: Uncertain significance. Last evaluated: 2024-07-19. Review status: criteria provided, single submitter. Criteria: GeneDx Variant Classification Process June 2021. Collection method: clinical testing. Allele origin: germline. Affected: yes.
Comment: Has not been previously published as pathogenic or benign to our knowledge; Not observed at significant frequency in large population cohorts (gnomAD); In silico analysis supports that this missense variant has a deleterious effect on protein structure/function

Fulgent Genetics
Classification: Uncertain significance for Hypertrophic cardiomyopathy 1; Hypertrophic cardiomyopathy 14; Dilated cardiomyopathy 1EE; Atrial septal defect 3; Sick sinus syndrome 3, susceptibility to. Last evaluated: 2021-09-28. Review status: criteria provided, single submitter. Criteria: ACMG Guidelines, 2015. Collection method: clinical testing. Allele origin: unknown.

Neuberg Centre For Genomic Medicine, NCGM
Classification: Uncertain significance for Hypertrophic cardiomyopathy 14. Review status: criteria provided, single submitter. Criteria: ACMG Guidelines, 2015. Collection method: clinical testing. Allele origin: germline. Inheritance: Autosomal dominant inheritance. Affected: yes.
Comment: The missense c.4793C>T p.Ser1598Leu variant in MYH6 gene has not been reported previously as a pathogenic variant nor as a benign variant, to our knowledge. The p.Ser1598Leu is reported with an allele frequency of 0.002% in the gnomAD exomes database and is novel not in any individuals in 1000 Genomes database. This variant has been reported to the ClinVar database as Uncertain Significance. The amino acid change p.Ser1598Leu in MYH6 is predicted as conserved by GERP++ and PhyloP across 100 vertebrates. The amino acid Ser at position 1598 is changed to a Leu changing protein sequence and it might alter its composition and physico-chemical properties. For these reasons, this variant has been classified as Variant of Uncertain Significance VUS.